The following is an entry in ClinVar:

NM_005477.3(HCN4):c.97G>A (p.Glu33Lys)

Gene: HCN4 (hyperpolarization activated cyclic nucleotide gated potassium channel 4; minus strand). Cytogenetic location: 15q24.1.
Variant type: single nucleotide variant.
Coding change: c.97G>A on transcript NM_005477.3 (MANE Select); coding-DNA position 97, G replaced by A.
Protein change: p.Glu33Lys; replaces glutamic acid 33 with lysine.
Molecular consequence: missense variant.
Genome position (GRCh38, 1-based): chr15:73,368,174, C>T on the plus strand (G>A on the coding strand, the complement: HCN4 is on the minus strand). VCF-style: chr15-73368174-C-T. GRCh37 (hg19) VCF-style: chr15-73660515-C-T.
Other names: short protein forms E33K.
Identifiers: ClinVar variation 4737921 (VCV004737921.1).

ClinVar aggregate classification (germline): Uncertain significance (1 of 4 stars; one submission).

Conditions:
Brugada syndrome 8 (BRGDA8). Identifiers: Orphanet 130, MedGen C2751083, MONDO:0013148, OMIM 613123.

Submission:

Labcorp Genetics (formerly Invitae), Labcorp
Classification: Uncertain significance for Brugada syndrome 8. Last evaluated: 2025-06-24. Review status: criteria provided, single submitter. Criteria: Invitae Variant Classification Sherloc (09022015). Collection method: clinical testing. Allele origin: germline.
Comment: This sequence change replaces glutamic acid, which is acidic and polar, with lysine, which is basic and polar, at codon 33 of the HCN4 protein (p.Glu33Lys). This variant is not present in population databases (gnomAD no frequency). This variant has not been reported in the literature in individuals affected with HCN4-related conditions. Invitae Evidence Modeling of protein sequence and biophysical properties (such as structural, functional, and spatial information, amino acid conservation, physicochemical variation, residue mobility, and thermodynamic stability) indicates that this missense variant is not expected to disrupt HCN4 protein function with a negative predictive value of 95%. In summary, the available evidence is currently insufficient to determine the role of this variant in disease. Therefore, it has been classified as a Variant of Uncertain Significance.